The following is an entry in ClinVar:

ClinVar aggregate classification (germline): Uncertain significance (1 of 4 stars; one submission).

Conditions:
Neuropathy, hereditary sensory and autonomic, type 2A (HSAN2A). Also called: HSAN IIA; WNK1-Related HSAN2 (HSAN2A); ACROOSTEOLYSIS, GIACCAI TYPE; ACROOSTEOLYSIS, NEUROGENIC; MORVAN DISEASE; NEUROPATHY, CONGENITAL SENSORY. Identifiers: Orphanet 970, MedGen C2752089, MONDO:0024309, OMIM 201300.
Generalized epilepsy with febrile seizures plus, type 7 (GEFSP7). Also called: GEFS+, TYPE 7. Identifiers: Orphanet 36387, MedGen C2751778, MONDO:0013470, OMIM 613863.

Submission:

Labcorp Genetics (formerly Invitae), Labcorp
Classification: Uncertain significance for Neuropathy, hereditary sensory and autonomic, type 2A; Generalized epilepsy with febrile seizures plus, type 7. Last evaluated: 2020-12-18. Review status: criteria provided, single submitter. Criteria: Invitae Variant Classification Sherloc (09022015). Collection method: clinical testing. Allele origin: germline.
Comment: In summary, the available evidence is currently insufficient to determine the role of this variant in disease. Therefore, it has been classified as a Variant of Uncertain Significance. Algorithms developed to predict the effect of missense changes on protein structure and function (SIFT, PolyPhen-2, Align-GVGD) all suggest that this variant is likely to be disruptive, but these predictions have not been confirmed by published functional studies and their clinical significance is uncertain. This variant has not been reported in the literature in individuals with SCN9A-related conditions. This variant is not present in population databases (ExAC no frequency). This sequence change replaces methionine with arginine at codon 1815 of the SCN9A protein (p.Met1815Arg). The methionine residue is highly conserved and there is a moderate physicochemical difference between methionine and arginine.

NM_001365536.1(SCN9A):c.5477T>G (p.Met1826Arg)

Genes: SCN9A (sodium voltage-gated channel alpha subunit 9; minus strand), SCN1A-AS1 (SCN1A and SCN9A antisense RNA 1; plus strand). Cytogenetic location: 2q24.3.
Variant type: single nucleotide variant.
Coding change: c.5477T>G on transcript NM_001365536.1 (MANE Select); coding-DNA position 5477, T replaced by G.
Protein change: p.Met1826Arg; replaces methionine 1826 with arginine.
Molecular consequence: missense variant.
Genome position (GRCh38, 1-based): chr2:166,199,162, A>C on the plus strand (T>G on the coding strand, the complement: SCN9A is on the minus strand). VCF-style: chr2-166199162-A-C. GRCh37 (hg19) VCF-style: chr2-167055672-A-C.
Other names: c.5444T>G, p.Met1815Arg (NM_002977.4); short protein forms M1815R, M1826R.
Identifiers: ClinVar variation 1395923 (VCV001395923.8), dbSNP rs2106336739, ClinGen allele CA349052679.